The following is an entry in ClinVar:

ClinVar aggregate classification (germline): Uncertain significance (1 of 4 stars; one submission).

Conditions:
Hereditary cancer-predisposing syndrome. Also called: Tumor predisposition; Hereditary neoplastic syndrome; Hereditary Cancer Syndrome; Neoplastic Syndromes, Hereditary. Identifiers: Orphanet 140162, MedGen C0027672, MeSH D009386, MONDO:0015356.

Submission:

Ambry Genetics
Classification: Uncertain significance for Hereditary cancer-predisposing syndrome. Last evaluated: 2025-05-18. Review status: criteria provided, single submitter. Criteria: Ambry Variant Classification Scheme 2023. Collection method: clinical testing. Allele origin: germline.
Comment: The c.1892-5A>C intronic variant results from an A to C substitution 5 nucleotides upstream from coding exon 13 in the PDGFRA gene. This nucleotide position is not well conserved in available vertebrate species. In silico splice site analysis predicts that this alteration will not have any significant effect on splicing. Based on the available evidence, the clinical significance of this variant remains unclear.

NM_006206.6(PDGFRA):c.1892-5A>C

Gene: PDGFRA (platelet derived growth factor receptor alpha; plus strand). Cytogenetic location: 4q12.
Variant type: single nucleotide variant.
Coding change: c.1892-5A>C on transcript NM_006206.6 (MANE Select); 5 bases into the intron before coding-DNA position 1892, A replaced by C.
Molecular consequence: intron variant.
Genome position (GRCh38, 1-based): chr4:54,277,891, A>C. VCF-style: chr4-54277891-A-C. GRCh37 (hg19) VCF-style: chr4-55144058-A-C.
Other names: c.1967-5A>C (NM_001347828.2); c.1892-5A>C (NM_001347827.2, NM_001347829.2); c.1931-5A>C (NM_001347830.2).
Identifiers: ClinVar variation 3930217 (VCV003930217.1).